The following is an entry in ClinVar:

NM_001170700.3(DTHD1):c.2455G>A (p.Ala819Thr)

Gene: DTHD1 (death domain containing 1; plus strand). Cytogenetic location: 4p14.
Variant type: single nucleotide variant.
Coding change: c.2455G>A on transcript NM_001170700.3 (MANE Select); coding-DNA position 2455, G replaced by A.
Protein change: p.Ala819Thr; replaces alanine 819 with threonine.
Molecular consequence: missense variant. On other transcripts: non-coding transcript variant (2).
Genome position (GRCh38, 1-based): chr4:36,343,558, G>A. VCF-style: chr4-36343558-G-A. GRCh37 (hg19) VCF-style: chr4-36345180-G-A.
Other names: c.1585G>A, p.Ala529Thr (NM_001136536.5); c.1464G>A, p.Met488Ile (NM_001378435.1); short protein forms A819T, A529T, M488I.
Identifiers: ClinVar variation 937823 (VCV000937823.10), dbSNP rs554146987, ClinGen allele CA2885742.
Genomic context (GRCh38, chr4:36,343,558, plus strand): 5'-ACAGAAGCCCTTTGGGATAACTTGCTCCATTGGCTGGCTGAGGAGCTCTCAGAAGAAAAT[G>A]CTGAGTCTCTTTCCTCAACTCTCCCTCTGCGCCGTAGCACCATTCAGCTCATCAAACTCA-3'
Protein context (NP_001164171.2, residues 809-829): WLAEELSEEN[Ala819Thr]ESLSSTLPLR

ClinVar aggregate classification (germline): Uncertain significance (1 of 4 stars; one submission).

Allele frequency attached by ClinVar (database versions not stated): gnomAD exomes below 0.00001 and 0.00001; 1000 Genomes Project 30x 0.00016; 1000 Genomes Project 0.00020; ExAC 0.00005.
gnomAD v4.1: 2 of 1,551,556 alleles (0.00013%); highest among the groups gnomAD compares: South Asian, 0.0012%; no homozygotes.

Submission:

Labcorp Genetics (formerly Invitae), Labcorp
Classification: Uncertain significance. Last evaluated: 2025-09-02. Review status: criteria provided, single submitter. Criteria: Invitae Variant Classification Sherloc (09022015). Collection method: clinical testing. Allele origin: germline.
Comment: This sequence change replaces alanine, which is neutral and non-polar, with threonine, which is neutral and polar, at codon 529 of the DTHD1 protein (p.Ala529Thr). This variant is present in population databases (rs554146987, gnomAD 0.004%). This variant has not been reported in the literature in individuals affected with DTHD1-related conditions. ClinVar contains an entry for this variant (Variation ID: 937823). An algorithm developed to predict the effect of missense changes on protein structure and function outputs the following: PolyPhen-2: "Benign". The threonine amino acid residue is found in multiple mammalian species, which suggests that this missense change does not adversely affect protein function. In summary, the available evidence is currently insufficient to determine the role of this variant in disease. Therefore, it has been classified as a Variant of Uncertain Significance.